The following is an entry in ClinVar:

NM_001080449.3(DNA2):c.3157A>G (p.Ile1053Val)

Genes: DNA2 (DNA replication helicase/nuclease 2; minus strand), LOC132089842 (Neanderthal introgressed variant-containing enhancer experimental_16635; plus strand). Cytogenetic location: 10q21.3.
Variant type: single nucleotide variant.
Coding change: c.3157A>G on transcript NM_001080449.3 (MANE Select); coding-DNA position 3157, A replaced by G.
Protein change: p.Ile1053Val; replaces isoleucine 1053 with valine.
Molecular consequence: missense variant. On other transcripts: non-coding transcript variant (1).
Genome position (GRCh38, 1-based): chr10:68,415,065, T>C on the plus strand (A>G on the coding strand, the complement: DNA2 is on the minus strand). VCF-style: chr10-68415065-T-C. GRCh37 (hg19) VCF-style: chr10-70174822-T-C.
Other names: short protein forms I1053V.
Identifiers: ClinVar variation 1511881 (VCV001511881.6), dbSNP rs2133348165, ClinGen allele CA376837075.

ClinVar aggregate classification (germline): Uncertain significance (1 of 4 stars; one submission).

Submission:

Labcorp Genetics (formerly Invitae), Labcorp
Classification: Uncertain significance. Last evaluated: 2021-10-21. Review status: criteria provided, single submitter. Criteria: Invitae Variant Classification Sherloc (09022015). Collection method: clinical testing. Allele origin: germline.
Comment: This sequence change replaces isoleucine with valine at codon 1053 of the DNA2 protein (p.Ile1053Val). The isoleucine residue is moderately conserved and there is a small physicochemical difference between isoleucine and valine. This variant is not present in population databases (ExAC no frequency). This variant has not been reported in the literature in individuals affected with DNA2-related conditions. Algorithms developed to predict the effect of missense changes on protein structure and function output the following: SIFT: "Tolerated"; PolyPhen-2: "Not Available"; Align-GVGD: "Class C0". The valine amino acid residue is found in multiple mammalian species, which suggests that this missense change does not adversely affect protein function. In summary, the available evidence is currently insufficient to determine the role of this variant in disease. Therefore, it has been classified as a Variant of Uncertain Significance.